The following is an entry in ClinVar:

ClinVar aggregate classification (germline): Likely benign (0 of 4 stars; one submission).

Conditions:
MYB-related disorder. Also called: MYB-related condition.

Allele frequency attached by ClinVar (database versions not stated): ExAC 0.00001; gnomAD 0.00002; gnomAD exomes 0.00002; TOPMed 0.00002.
gnomAD v4.1: 37 of 1,613,942 alleles (0.0023%); highest among the groups gnomAD compares: East Asian, 0.0045%; no homozygotes.

Submission:

PreventionGenetics, part of Exact Sciences
Classification: Likely benign for MYB-related condition. Last evaluated: 2019-03-15. Review status: no assertion criteria provided. Collection method: clinical testing. Allele origin: germline.
Comment: This variant is classified as likely benign based on ACMG/AMP sequence variant interpretation guidelines (Richards et al. 2015 PMID: 25741868, with internal and published modifications).

NM_001130173.2(MYB):c.330C>T (p.Tyr110=)

Gene: MYB (MYB proto-oncogene, transcription factor; plus strand). Cytogenetic location: 6q23.3.
Variant type: single nucleotide variant.
Coding change: c.330C>T on transcript NM_001130173.2 (MANE Select); coding-DNA position 330, C replaced by T.
Protein change: p.Tyr110=; no amino-acid change (tyrosine 110 retained).
Molecular consequence: synonymous variant. On other transcripts: non-coding transcript variant (7).
Genome position (GRCh38, 1-based): chr6:135,190,150, C>T. VCF-style: chr6-135190150-C-T. GRCh37 (hg19) VCF-style: chr6-135511288-C-T.
Other names: c.330C>T, p.Tyr110= (NM_001130172.2, NM_001161656.2, NM_001161657.2 and 4 more transcripts).
Identifiers: ClinVar variation 3046621 (VCV003046621.2), dbSNP rs777044345, ClinGen allele CA4011313.